The following is an entry in ClinVar:

NM_001040436.3(YARS2):c.98C>A (p.Ser33Ter)

Gene: YARS2 (tyrosyl-tRNA synthetase 2; minus strand). Cytogenetic location: 12p11.21.
Variant type: single nucleotide variant.
Coding change: c.98C>A on transcript NM_001040436.3 (MANE Select); coding-DNA position 98, C replaced by A.
Protein change: p.Ser33Ter; replaces serine 33 with a stop codon.
Molecular consequence: nonsense.
Genome position (GRCh38, 1-based): chr12:32,755,777, G>T on the plus strand (C>A on the coding strand, the complement: YARS2 is on the minus strand). VCF-style: chr12-32755777-G-T. GRCh37 (hg19) VCF-style: chr12-32908711-G-T.
Other names: c.98C>A (NM_001040436.2); short protein forms S33*.
Identifiers: ClinVar variation 2159512 (VCV002159512.9), dbSNP rs748941040, ClinGen allele CA6508239.

ClinVar aggregate classification (germline): Pathogenic/Likely pathogenic. Review status: criteria provided, multiple submitters, no conflicts (2 of 4 stars). 6 submissions from 6 submitters: Pathogenic (4); Likely pathogenic (2). Last evaluated 2026-08-01.

Conditions:
Myopathy, lactic acidosis, and sideroblastic anemia 2 (MLASA2). Identifiers: Orphanet 2598, MedGen C3150802, MONDO:0013307, OMIM 613561.
YARS2-related disorder. Also called: YARS2-related condition.

gnomAD v4.1: 119 of 1,613,780 alleles (0.0074%); highest among the groups gnomAD compares: Non-Finnish European, 0.009%; no homozygotes.

Submissions (6):

CeGaT Center for Human Genetics Tuebingen
Classification: Pathogenic. Last evaluated: 2026-08-01. Review status: criteria provided, single submitter. Criteria: CeGaT Center For Human Genetics Tuebingen Variant Classification Criteria Version 2. Collection method: clinical testing. Allele origin: germline. Affected: yes. Observed: 1 variant allele.
Comment: YARS2: PM3:Strong, PVS1:Strong, PM2

Labcorp Genetics (formerly Invitae), Labcorp
Classification: Pathogenic. Last evaluated: 2025-09-05. Review status: criteria provided, single submitter. Criteria: Invitae Variant Classification Sherloc (09022015). Collection method: clinical testing. Allele origin: germline.
Comment: This sequence change creates a premature translational stop signal (p.Ser33*) in the YARS2 gene. It is expected to result in an absent or disrupted protein product. Loss-of-function variants in YARS2 are known to be pathogenic (PMID: 20598274, 24344687, 25638461). This variant is present in population databases (rs748941040, gnomAD 0.004%). This premature translational stop signal has been observed in individual(s) with sideroblastic anemia (PMID: 30026338). ClinVar contains an entry for this variant (Variation ID: 2159512). For these reasons, this variant has been classified as Pathogenic.

Blueprint Genetics
Classification: Likely pathogenic for YARS2-related disorders. Last evaluated: 2024-07-12. Review status: criteria provided, single submitter. Criteria: ACMG Guidelines, 2015. Collection method: clinical testing. Allele origin: germline. Affected: yes. Observed: 5 variant alleles.

Women's Health and Genetics/Laboratory Corporation of America, LabCorp
Classification: Pathogenic for Myopathy, lactic acidosis, and sideroblastic anemia 2. Last evaluated: 2023-09-13. Review status: criteria provided, single submitter. Criteria: LabCorp Variant Classification Summary - May 2015. Collection method: clinical testing. Allele origin: germline.
Comment: Variant summary: YARS2 c.98C>A (p.Ser33X) results in a premature termination codon, predicted to cause a truncation of the encoded protein or absence of the protein due to nonsense mediated decay, which are commonly known mechanisms for disease. The variant allele was found at a frequency of 2e-05 in 250752 control chromosomes. c.98C>A has been reported in the literature in individuals affected with Myopathy, Lactic Acidosis, And Sideroblastic Anemia 2 (e.g. Rudaks_2022). To our knowledge, no experimental evidence demonstrating an impact on protein function has been reported. The following publication have been ascertained in the context of this evaluation (PMID: 35393742). One submitter has cited clinical-significance assessments for this variant to ClinVar after 2014 and has classified the variant as pathogenic. Based on the evidence outlined above, the variant was classified as pathogenic.

GeneDx
Classification: Pathogenic. Last evaluated: 2023-04-12. Review status: criteria provided, single submitter. Criteria: GeneDx Variant Classification Process June 2021. Collection method: clinical testing. Allele origin: germline. Affected: yes.
Comment: Nonsense variant predicted to result in protein truncation or nonsense mediated decay in a gene for which loss of function is a known mechanism of disease; Not observed at significant frequency in large population cohorts (gnomAD); This variant is associated with the following publications: (PMID: 35641312, 30026338, 35393742)

Department of Pathology and Laboratory Medicine, Sinai Health System
Classification: Likely pathogenic for Myopathy, lactic acidosis, and sideroblastic anemia 2. Last evaluated: 2022-01-17. Review status: criteria provided, single submitter. Criteria: ACMG Guidelines, 2015. Collection method: research. Allele origin: germline.

Literature cited by the submitters: PubMed 20598274 (cited by Labcorp Genetics (formerly Invitae), Labcorp); PubMed 24344687 (cited by Labcorp Genetics (formerly Invitae), Labcorp); PubMed 25638461 (cited by Labcorp Genetics (formerly Invitae), Labcorp); PubMed 30026338 (cited by Labcorp Genetics (formerly Invitae), Labcorp); PubMed 35393742 (cited by Women's Health and Genetics/Laboratory Corporation of America, LabCorp).